The following is an entry in ClinVar:

ClinVar aggregate classification (germline): Benign. Review status: criteria provided, multiple submitters, no conflicts (2 of 4 stars). 5 submissions from 5 submitters: Benign (4). 1 of the submissions does not count toward it. Last evaluated 2026-01-26.

Conditions:
VPS13D-related disorder. Also called: VPS13D-related condition.

Allele frequency attached by ClinVar (database versions not stated): gnomAD exomes 0.00292 and 0.00786; ExAC 0.00971; gnomAD 0.02860 and 0.03053; TOPMed 0.03243; ESP Exome Variant Server 0.03352; 1000 Genomes Project 0.03734; 1000 Genomes Project 30x 0.03935.
gnomAD v4.1: 8,870 of 1,613,364 alleles (0.55%); highest among the groups gnomAD compares: African/African-American, 9.9%; 405 homozygotes.

Submissions (5):

Labcorp Genetics (formerly Invitae), Labcorp
Classification: Benign. Last evaluated: 2026-01-26. Review status: criteria provided, single submitter. Criteria: Invitae Variant Classification Sherloc (09022015). Collection method: clinical testing. Allele origin: germline.

Mayo Clinic Laboratories, Mayo Clinic
Classification: Benign. Last evaluated: 2022-03-24. Review status: criteria provided, single submitter. Criteria: ACMG Guidelines, 2015. Collection method: clinical testing. Allele origin: germline. Observed: 19 variant alleles.

GeneDx
Classification: Benign. Last evaluated: 2021-05-05. Review status: criteria provided, single submitter. Criteria: GeneDx Variant Classification Process June 2021. Collection method: clinical testing. Allele origin: germline. Affected: yes.

Breakthrough Genomics
Classification: Benign. Review status: criteria provided, single submitter. Criteria: ACMG Guidelines, 2015. Collection method: not provided. Allele origin: germline. Inheritance: Autosomal recessive inheritance. Affected: yes.

PreventionGenetics, part of Exact Sciences
Classification: Benign for VPS13D-related condition. Last evaluated: 2019-10-04. Review status: no assertion criteria provided. Collection method: clinical testing. Allele origin: germline. Not counted in ClinVar's aggregate classification.
Comment: This variant is classified as benign based on ACMG/AMP sequence variant interpretation guidelines (Richards et al. 2015 PMID: 25741868, with internal and published modifications).

NM_015378.4(VPS13D):c.673G>A (p.Ala225Thr)

Gene: VPS13D (vacuolar protein sorting 13 homolog D; plus strand). Cytogenetic location: 1p36.22.
Variant type: single nucleotide variant.
Coding change: c.673G>A on transcript NM_015378.4 (MANE Select); coding-DNA position 673, G replaced by A.
Protein change: p.Ala225Thr; replaces alanine 225 with threonine.
Molecular consequence: missense variant.
Genome position (GRCh38, 1-based): chr1:12,256,336, G>A. VCF-style: chr1-12256336-G-A. GRCh37 (hg19) VCF-style: chr1-12316393-G-A.
Other names: p.Ala225Thr; c.673G>A, p.Ala225Thr (NM_018156.4); short protein forms A225T.
Identifiers: ClinVar variation 784931 (VCV000784931.16), dbSNP rs12057307, ClinGen allele CA601298.